The following is an entry in ClinVar:

ClinVar aggregate classification (germline): Uncertain significance (1 of 4 stars; one submission).

Allele frequency attached by ClinVar (database versions not stated): ExAC 0.00004; ESP Exome Variant Server 0.00008; 1000 Genomes Project 0.00020; 1000 Genomes Project 30x 0.00031.
gnomAD v4.1: 74 of 1,528,788 alleles (0.0048%); highest among the groups gnomAD compares: Admixed American, 0.0078%; no homozygotes.

Submission:

Labcorp Genetics (formerly Invitae), Labcorp
Classification: Uncertain significance. Last evaluated: 2022-10-26. Review status: criteria provided, single submitter. Criteria: Invitae Variant Classification Sherloc (09022015). Collection method: clinical testing. Allele origin: germline.
Comment: This variant has not been reported in the literature in individuals affected with WNT3A-related conditions. In summary, the available evidence is currently insufficient to determine the role of this variant in disease. Therefore, it has been classified as a Variant of Uncertain Significance. Advanced modeling of protein sequence and biophysical properties (such as structural, functional, and spatial information, amino acid conservation, physicochemical variation, residue mobility, and thermodynamic stability) performed at Invitae indicates that this missense variant is not expected to disrupt WNT3A protein function. The frequency data for this variant in the population databases is considered unreliable, as metrics indicate poor data quality at this position in the gnomAD database. This sequence change replaces valine, which is neutral and non-polar, with phenylalanine, which is neutral and non-polar, at codon 345 of the WNT3A protein (p.Val345Phe).

NM_033131.4(WNT3A):c.1033G>T (p.Val345Phe)

Gene: WNT3A (Wnt family member 3A; plus strand). Cytogenetic location: 1q42.13.
Variant type: single nucleotide variant.
Coding change: c.1033G>T on transcript NM_033131.4 (MANE Select); coding-DNA position 1033, G replaced by T.
Protein change: p.Val345Phe; replaces valine 345 with phenylalanine.
Molecular consequence: missense variant.
Genome position (GRCh38, 1-based): chr1:228,059,439, G>T. VCF-style: chr1-228059439-G-T. GRCh37 (hg19) VCF-style: chr1-228247140-G-T.
Other names: short protein forms V345F.
Identifiers: ClinVar variation 2152528 (VCV002152528.4), dbSNP rs375339690, ClinGen allele CA1429576.
Genomic context (GRCh38, chr1:228,059,439, plus strand): 5'-GAGAAGTGCCGCTGCGTGTTCCACTGGTGCTGCTACGTCAGCTGCCAGGAGTGCACGCGC[G>T]TCTACGACGTGCACACCTGCAAGTAGGCACCGGCCGCGGCTCCCCCTGGACGGGGCGGGC-3'
Protein context (NP_149122.1, residues 335-352): CYVSCQECTR[Val345Phe]YDVHTCK